The following is an entry in ClinVar:

NM_014679.5(CEP57):c.908T>C (p.Val303Ala)

Gene: CEP57 (centrosomal protein 57; plus strand). Cytogenetic location: 11q21.
Variant type: single nucleotide variant.
Coding change: c.908T>C on transcript NM_014679.5 (MANE Select); coding-DNA position 908, T replaced by C.
Protein change: p.Val303Ala; replaces valine 303 with alanine.
Molecular consequence: missense variant.
Genome position (GRCh38, 1-based): chr11:95,827,808, T>C. VCF-style: chr11-95827808-T-C. GRCh37 (hg19) VCF-style: chr11-95560972-T-C.
Other names: c.908T>C (NM_014679.4); c.830T>C, p.Val277Ala (NM_001243777.2); c.827T>C, p.Val276Ala (NM_001363604.2); c.881T>C, p.Val294Ala (NM_001243776.2); short protein forms V303A, V276A, V277A, V294A.
Identifiers: ClinVar variation 2133886 (VCV002133886.5), dbSNP rs1421598228, ClinGen allele CA382407472.

ClinVar aggregate classification (germline): Uncertain significance. Review status: criteria provided, multiple submitters, no conflicts (2 of 4 stars). 2 submissions from 2 submitters: Uncertain significance (2). Last evaluated 2025-03-02.

Conditions:
Inborn genetic diseases. Identifiers: MedGen C0950123, MeSH D030342.
Mosaic variegated aneuploidy syndrome 2 (MVA2). Identifiers: Orphanet 1052, MedGen C3279843, MONDO:0013582, OMIM 614114.

Allele frequency attached by ClinVar (database versions not stated): gnomAD exomes below 0.00001.
gnomAD v4.1: 1 of 1,614,040 alleles (0.000062%); highest among the groups gnomAD compares: East Asian, 0.0022%; no homozygotes.

Submissions (2):

Ambry Genetics
Classification: Uncertain significance for Inborn genetic diseases. Last evaluated: 2025-03-02. Review status: criteria provided, single submitter. Criteria: Ambry Variant Classification Scheme 2023. Collection method: clinical testing. Allele origin: germline.
Comment: The p.V303A variant (also known as c.908T>C), located in coding exon 9 of the CEP57 gene, results from a T to C substitution at nucleotide position 908. The valine at codon 303 is replaced by alanine, an amino acid with similar properties. This amino acid position is conserved. In addition, the in silico prediction for this alteration is inconclusive. Based on the available evidence, the clinical significance of this variant remains unclear.

Labcorp Genetics (formerly Invitae), Labcorp
Classification: Uncertain significance for Mosaic variegated aneuploidy syndrome 2. Last evaluated: 2022-05-04. Review status: criteria provided, single submitter. Criteria: Invitae Variant Classification Sherloc (09022015). Collection method: clinical testing. Allele origin: germline.
Comment: In summary, the available evidence is currently insufficient to determine the role of this variant in disease. Therefore, it has been classified as a Variant of Uncertain Significance. Algorithms developed to predict the effect of missense changes on protein structure and function (SIFT, PolyPhen-2, Align-GVGD) all suggest that this variant is likely to be disruptive. This variant has not been reported in the literature in individuals affected with CEP57-related conditions. This variant is present in population databases (no rsID available, gnomAD 0.006%). This sequence change replaces valine, which is neutral and non-polar, with alanine, which is neutral and non-polar, at codon 303 of the CEP57 protein (p.Val303Ala).